The following is an entry in ClinVar:

ClinVar aggregate classification (germline): Uncertain significance (1 of 4 stars; one submission).

Submission:

Labcorp Genetics (formerly Invitae), Labcorp
Classification: Uncertain significance. Last evaluated: 2022-03-14. Review status: criteria provided, single submitter. Criteria: Invitae Variant Classification Sherloc (09022015). Collection method: clinical testing. Allele origin: germline.
Comment: This variant has not been reported in the literature in individuals affected with IKZF1-related conditions. In summary, the available evidence is currently insufficient to determine the role of this variant in disease. Therefore, it has been classified as a Variant of Uncertain Significance. Algorithms developed to predict the effect of missense changes on protein structure and function are either unavailable or do not agree on the potential impact of this missense change (SIFT: "Not Available"; PolyPhen-2: "Benign"; Align-GVGD: "Not Available"). This variant is not present in population databases (gnomAD no frequency). This sequence change replaces serine, which is neutral and polar, with asparagine, which is neutral and polar, at codon 21 of the IKZF1 protein (p.Ser21Asn).

NM_006060.6(IKZF1):c.62G>A (p.Ser21Asn)

Gene: IKZF1 (IKAROS family zinc finger 1; plus strand). Cytogenetic location: 7p12.2.
Variant type: single nucleotide variant.
Coding change: c.62G>A on transcript NM_006060.6 (MANE Select); coding-DNA position 62, G replaced by A.
Protein change: p.Ser21Asn; replaces serine 21 with asparagine.
Molecular consequence: missense variant.
Genome position (GRCh38, 1-based): chr7:50,327,659, G>A. VCF-style: chr7-50327659-G-A. GRCh37 (hg19) VCF-style: chr7-50367255-G-A.
Other names: c.62G>A, p.Ser21Asn (NM_001291841.1, NM_001291842.1, NM_001291843.1 and 14 more transcripts); short protein forms S21N.
Identifiers: ClinVar variation 2111815 (VCV002111815.4), dbSNP rs1795401260, ClinGen allele CA367569322.
Genomic context (GRCh38, chr7:50,327,659, plus strand): 5'-CATGACCGCCCGAGACTCACACTTCTTCTTTCTCATCAGGGAAGGAAAGCCCCCCTGTAA[G>A]CGATACTCCAGATGAGGGCGATGAGCCCATGCCGATCCCCGAGGACCTCTCCACCACCTC-3'
Protein context (NP_006051.1, residues 11-31): QVSGKESPPV[Ser21Asn]DTPDEGDEPM